The following is an entry in ClinVar:

NM_004260.4(RECQL4):c.88G>A (p.Asp30Asn)

Genes: RECQL4 (RecQ like helicase 4; minus strand), LOC130001411 (ATAC-STARR-seq lymphoblastoid silent region 19699; plus strand). Cytogenetic location: 8q24.3.
Variant type: single nucleotide variant.
Coding change: c.88G>A on transcript NM_004260.4 (MANE Select); coding-DNA position 88, G replaced by A.
Protein change: p.Asp30Asn; replaces aspartic acid 30 with asparagine.
Molecular consequence: missense variant.
Genome position (GRCh38, 1-based): chr8:144,517,632, C>T on the plus strand (G>A on the coding strand, the complement: RECQL4 is on the minus strand). VCF-style: chr8-144517632-C-T. GRCh37 (hg19) VCF-style: chr8-145743016-C-T.
Other names: short protein forms D30N.
Identifiers: ClinVar variation 663172 (VCV000663172.7), dbSNP rs934908599, ClinGen allele CA187691159.

ClinVar aggregate classification (germline): Uncertain significance (1 of 4 stars; one submission).

Conditions:
Baller-Gerold syndrome (BGS). Also called: CRANIOSYNOSTOSIS WITH RADIAL DEFECTS. Identifiers: Orphanet 1225, MedGen C0265308, MONDO:0009039, OMIM 218600.

Allele frequency attached by ClinVar (database versions not stated): gnomAD 0.00001.
gnomAD v4.1: 7 of 1,485,992 alleles (0.00047%); highest among the groups gnomAD compares: Non-Finnish European, 0.00062%; no homozygotes.

Submission:

Labcorp Genetics (formerly Invitae), Labcorp
Classification: Uncertain significance for Baller-Gerold syndrome. Last evaluated: 2025-07-10. Review status: criteria provided, single submitter. Criteria: Invitae Variant Classification Sherloc (09022015). Collection method: clinical testing. Allele origin: germline.
Comment: This sequence change replaces aspartic acid, which is acidic and polar, with asparagine, which is neutral and polar, at codon 30 of the RECQL4 protein (p.Asp30Asn). This variant is present in population databases (no rsID available, gnomAD 0.007%). This variant has not been reported in the literature in individuals affected with RECQL4-related conditions. ClinVar contains an entry for this variant (Variation ID: 663172). Experimental studies and prediction algorithms are not available or were not evaluated, and the functional significance of this variant is currently unknown. In summary, the available evidence is currently insufficient to determine the role of this variant in disease. Therefore, it has been classified as a Variant of Uncertain Significance.